The following is an entry in ClinVar:

ClinVar aggregate classification (germline): Pathogenic/Likely pathogenic. Review status: criteria provided, multiple submitters, no conflicts (2 of 4 stars). 3 submissions from 3 submitters: Pathogenic (1); Likely pathogenic (2). Last evaluated 2025-10-17.

Conditions:
TTLL5-related disorder. Also called: TTLL5-related condition.

Submissions (3):

PreventionGenetics, part of Exact Sciences
Classification: Likely pathogenic for TTLL5-related condition. Last evaluated: 2025-10-17. Review status: criteria provided, single submitter. Criteria: ACMG Guidelines, 2015. Collection method: clinical testing. Allele origin: germline.
Comment: The TTLL5 c.3579_3583dup5 variant is predicted to result in a frameshift and premature protein termination (p.Gly1195Valfs*63). To our knowledge, this variant has not been reported in the literature. This variant is reported in 0.013% of alleles in individuals of South Asian descent in gnomAD. Frameshift variants in TTLL5 are expected to be pathogenic. This variant is interpreted as likely pathogenic.

Labcorp Genetics (formerly Invitae), Labcorp
Classification: Pathogenic. Last evaluated: 2025-07-21. Review status: criteria provided, single submitter. Criteria: Invitae Variant Classification Sherloc (09022015). Collection method: clinical testing. Allele origin: germline.
Comment: This sequence change creates a premature translational stop signal (p.Gly1195Valfs*63) in the TTLL5 gene. It is expected to result in an absent or disrupted protein product. Loss-of-function variants in TTLL5 are known to be pathogenic (PMID: 24791901, 27162334). This variant is present in population databases (rs760158148, gnomAD 0.006%). This variant has not been reported in the literature in individuals affected with TTLL5-related conditions. ClinVar contains an entry for this variant (Variation ID: 1456061). For these reasons, this variant has been classified as Pathogenic.

Blueprint Genetics
Classification: Likely pathogenic for TTLL5-related disorders. Last evaluated: 2020-03-11. Review status: criteria provided, single submitter. Criteria: ACMG Guidelines, 2015. Collection method: clinical testing. Allele origin: germline. Affected: yes. Observed: 2 variant alleles.

Literature cited by the submitters: PubMed 24791901 (cited by Labcorp Genetics (formerly Invitae), Labcorp); PubMed 27162334 (cited by Labcorp Genetics (formerly Invitae), Labcorp).

NM_015072.5(TTLL5):c.3579_3583dup (p.Gly1195fs)

Gene: TTLL5 (tubulin tyrosine ligase like 5; plus strand). Cytogenetic location: 14q24.3.
Variant type: Duplication.
Coding change: c.3579_3583dup on transcript NM_015072.5 (MANE Select); coding-DNA positions 3579 to 3583, 5 bases duplicated (TGCAG; older notation c.3579_3583dupTGCAG).
Protein change: p.Gly1195fs; shifts the reading frame from glycine 1195.
Molecular consequence: frameshift variant.
Genome position (GRCh38, 1-based): chr14:75,882,741-75,882,745, TGCAG duplicated; duplicating any 5 consecutive bases within chr14:75,882,740-75,882,745 gives the same sequence; the c. name uses the placement nearest the transcript's 3' end. VCF-style (leftmost placement, unchanged base first): chr14-75882739-G-GGTGCA. GRCh37 (hg19) VCF-style: chr14-76349082-G-GGTGCA.
Other names: c.3579_3583dup5 (NM_015072.4); short protein forms G1195fs.
Identifiers: ClinVar variation 1456061 (VCV001456061.8), dbSNP rs760158148, ClinGen allele CA7280085.